The following is an entry in ClinVar:

NM_005739.4(RASGRP1):c.1439A>C (p.Lys480Thr)

Gene: RASGRP1 (RAS guanyl releasing protein 1; minus strand). Cytogenetic location: 15q14.
Variant type: single nucleotide variant.
Coding change: c.1439A>C on transcript NM_005739.4 (MANE Select); coding-DNA position 1439, A replaced by C.
Protein change: p.Lys480Thr; replaces lysine 480 with threonine.
Molecular consequence: missense variant.
Genome position (GRCh38, 1-based): chr15:38,502,411, T>G on the plus strand (A>C on the coding strand, the complement: RASGRP1 is on the minus strand). VCF-style: chr15-38502411-T-G. GRCh37 (hg19) VCF-style: chr15-38794612-T-G.
Other names: c.1334A>C, p.Lys445Thr (NM_001128602.2, NM_001306086.2); short protein forms K445T, K480T.
Identifiers: ClinVar variation 1920389 (VCV001920389.5), dbSNP rs774426499, ClinGen allele CA391665208.

ClinVar aggregate classification (germline): Uncertain significance (1 of 4 stars; one submission).

Submission:

Labcorp Genetics (formerly Invitae), Labcorp
Classification: Uncertain significance. Last evaluated: 2024-04-10. Review status: criteria provided, single submitter. Criteria: Invitae Variant Classification Sherloc (09022015). Collection method: clinical testing. Allele origin: germline.
Comment: This sequence change replaces lysine, which is basic and polar, with threonine, which is neutral and polar, at codon 480 of the RASGRP1 protein (p.Lys480Thr). This variant is not present in population databases (gnomAD no frequency). This variant has not been reported in the literature in individuals affected with RASGRP1-related conditions. ClinVar contains an entry for this variant (Variation ID: 1920389). Advanced modeling of protein sequence and biophysical properties (such as structural, functional, and spatial information, amino acid conservation, physicochemical variation, residue mobility, and thermodynamic stability) performed at Invitae indicates that this missense variant is not expected to disrupt RASGRP1 protein function with a negative predictive value of 80%. In summary, the available evidence is currently insufficient to determine the role of this variant in disease. Therefore, it has been classified as a Variant of Uncertain Significance.